The following is an entry in ClinVar:

NM_000545.8(HNF1A):c.82C>T (p.Gln28Ter)

Gene: HNF1A (HNF1 homeobox A; plus strand). Cytogenetic location: 12q24.31.
Variant type: single nucleotide variant.
Coding change: c.82C>T on transcript NM_000545.8 (MANE Select); coding-DNA position 82, C replaced by T.
Protein change: p.Gln28Ter; replaces glutamine 28 with a stop codon.
Molecular consequence: nonsense.
Genome position (GRCh38, 1-based): chr12:120,978,850, C>T. VCF-style: chr12-120978850-C-T. GRCh37 (hg19) VCF-style: chr12-121416653-C-T.
Other names: NM_001306179.2:c.82C>T; c.82C>T, p.Gln28Ter (NM_001306179.2); short protein forms Q28*.
Identifiers: ClinVar variation 1342952 (VCV001342952.4), dbSNP rs2135819583, ClinGen allele CA386952736.
Genomic context (GRCh38, chr12:120,978,850, plus strand): 5'-CTGCAGACGGAGCTCCTGGCGGCCCTGCTCGAGTCAGGGCTGAGCAAAGAGGCACTGATC[C>T]AGGCACTGGGTGAGCCGGGGCCCTACCTCCTGGCTGGAGAAGGCCCCCTGGACAAGGGGG-3'

ClinVar aggregate classification (germline): Likely pathogenic (3 of 4 stars; one submission).

Conditions:
Monogenic diabetes. Identifiers: Orphanet 183625, MedGen C3888631, MONDO:0015967.

Submission:

ClinGen Monogenic Diabetes Variant Curation Expert Panel
Classification: Likely pathogenic for Monogenic diabetes. Last evaluated: 2025-08-05. Review status: reviewed by expert panel. Criteria: ClinGen Diabetes ACMG Specifications HNF1A V3.0.0. Collection method: curation. Allele origin: germline. Inheritance: Autosomal dominant inheritance.
Comment: The c.82C>T variant in the HNF1 homeobox A gene, HNF1A, results in a premature termination at codon 28 (p.(Gln28Ter)) of NM_000545.8. This variant, located in biologically-relevant exon 1 of 10, is predicted to lead to nonsense mediated decay in a gene in which loss-of-function is an established disease mechanism (PVS1; PMID: 23348805). This variant is absent from gnomAD v4.1.0 (PM2_Supporting). This variant was identified in three unrelated individuals with non-autoimmune and non-absolute/near-absolute insulin-deficient diabetes; however, PS4_Moderate cannot be applied because this number is below the ClinGen MDEP threshold (PMID:12355088, PMID:16496320, internal lab contributor). One of these individuals has a clinical history suggestive of HNF1A-MODY (MODY probability calculator result >50%); however, HNF4A was not tested, so PP4 cannot be applied (internal lab contributor). In summary, c.82C>T meets the criteria to be classified as likely pathogenic for monogenic diabetes. ACMG/AMP criteria applied, as specified by the ClinGen MDEP (specification version 3.0.0, approved 6/30/2025): PVS1, PM2_Supporting.

Literature cited by the submitters: PubMed 12355088; PubMed 16496320.